The following is an entry in ClinVar:

NM_001848.3(COL6A1):c.376G>A (p.Gly126Ser)

Gene: COL6A1 (collagen type VI alpha 1 chain; plus strand). Cytogenetic location: 21q22.3.
Variant type: single nucleotide variant.
Coding change: c.376G>A on transcript NM_001848.3 (MANE Select); coding-DNA position 376, G replaced by A.
Protein change: p.Gly126Ser; replaces glycine 126 with serine.
Molecular consequence: missense variant.
Genome position (GRCh38, 1-based): chr21:45,984,417, G>A. VCF-style: chr21-45984417-G-A. GRCh37 (hg19) VCF-style: chr21-47404331-G-A.
Other names: c.376G>A (NM_001848.2); short protein forms G126S.
Identifiers: ClinVar variation 287818 (VCV000287818.8), dbSNP rs886043738, ClinGen allele CA10605884.

ClinVar aggregate classification (germline): Uncertain significance. Review status: criteria provided, multiple submitters, no conflicts (2 of 4 stars). 3 submissions from 3 submitters: Uncertain significance (3). Last evaluated 2025-10-30.

Conditions:
Inborn genetic diseases. Identifiers: MedGen C0950123, MeSH D030342.
Bethlem myopathy 1A. Also called: Bethlem Muscular Dystrophy; MYOPATHY, BENIGN CONGENITAL, WITH CONTRACTURES; Bethlem myopathy 1. Identifiers: Orphanet 610, MedGen CN029274, MONDO:0024530, OMIM 158810.

Allele frequency attached by ClinVar (database versions not stated): gnomAD exomes below 0.00001.
gnomAD v4.1: 1 of 1,612,524 alleles (0.000062%); highest among the groups gnomAD compares: South Asian, 0.0011%; no homozygotes.

Submissions (3):

Ambry Genetics
Classification: Uncertain significance for Inborn genetic diseases. Last evaluated: 2025-10-30. Review status: criteria provided, single submitter. Criteria: Ambry Variant Classification Scheme 2023. Collection method: clinical testing. Allele origin: germline.

Labcorp Genetics (formerly Invitae), Labcorp
Classification: Uncertain significance for Bethlem myopathy 1A. Last evaluated: 2024-07-15. Review status: criteria provided, single submitter. Criteria: Invitae Variant Classification Sherloc (09022015). Collection method: clinical testing. Allele origin: germline.
Comment: This sequence change replaces glycine, which is neutral and non-polar, with serine, which is neutral and polar, at codon 126 of the COL6A1 protein (p.Gly126Ser). This variant is not present in population databases (gnomAD no frequency). This variant has not been reported in the literature in individuals affected with COL6A1-related conditions. ClinVar contains an entry for this variant (Variation ID: 287818). Advanced modeling of protein sequence and biophysical properties (such as structural, functional, and spatial information, amino acid conservation, physicochemical variation, residue mobility, and thermodynamic stability) performed at Invitae indicates that this missense variant is not expected to disrupt COL6A1 protein function with a negative predictive value of 95%. In summary, the available evidence is currently insufficient to determine the role of this variant in disease. Therefore, it has been classified as a Variant of Uncertain Significance.

Eurofins Ntd Llc (ga)
Classification: Uncertain significance. Last evaluated: 2016-05-25. Review status: criteria provided, single submitter. Criteria: EGL Classification Definitions 2015. Collection method: clinical testing. Allele origin: germline. Observed: 1 variant allele, 1 heterozygote.